The following is an entry in ClinVar:

ClinVar aggregate classification (germline): Uncertain significance. Review status: criteria provided, multiple submitters, no conflicts (2 of 4 stars). 2 submissions from 2 submitters: Uncertain significance (2). Last evaluated 2023-08-31.

Conditions:
LAMA2-related muscular dystrophy (LAMA2-RD). Also called: Laminin alpha 2-related dystrophy. Identifiers: MedGen C5679788, MONDO:0100228.

Allele frequency attached by ClinVar (database versions not stated): TOPMed below 0.00001.
gnomAD v4.1: 6 of 1,613,244 alleles (0.00037%); highest among the groups gnomAD compares: South Asian, 0.0011%; no homozygotes.

Submissions (2):

Revvity Omics, Revvity
Classification: Uncertain significance. Last evaluated: 2023-08-31. Review status: criteria provided, single submitter. Criteria: ACMG Guidelines, 2015. Collection method: clinical testing. Allele origin: germline.

Labcorp Genetics (formerly Invitae), Labcorp
Classification: Uncertain significance for LAMA2-related muscular dystrophy. Last evaluated: 2022-07-06. Review status: criteria provided, single submitter. Criteria: Invitae Variant Classification Sherloc (09022015). Collection method: clinical testing. Allele origin: germline.
Comment: This sequence change replaces histidine, which is basic and polar, with leucine, which is neutral and non-polar, at codon 823 of the LAMA2 protein (p.His823Leu). This variant is not present in population databases (gnomAD no frequency). This variant has not been reported in the literature in individuals affected with LAMA2-related conditions. ClinVar contains an entry for this variant (Variation ID: 1005569). Advanced modeling of protein sequence and biophysical properties (such as structural, functional, and spatial information, amino acid conservation, physicochemical variation, residue mobility, and thermodynamic stability) performed at Invitae indicates that this missense variant is not expected to disrupt LAMA2 protein function. In summary, the available evidence is currently insufficient to determine the role of this variant in disease. Therefore, it has been classified as a Variant of Uncertain Significance.

NM_000426.4(LAMA2):c.2468A>T (p.His823Leu)

Gene: LAMA2 (laminin subunit alpha 2; plus strand). Cytogenetic location: 6q22.33.
Variant type: single nucleotide variant.
Coding change: c.2468A>T on transcript NM_000426.4 (MANE Select); coding-DNA position 2468, A replaced by T.
Protein change: p.His823Leu; replaces histidine 823 with leucine.
Molecular consequence: missense variant.
Genome position (GRCh38, 1-based): chr6:129,280,078, A>T. VCF-style: chr6-129280078-A-T. GRCh37 (hg19) VCF-style: chr6-129601223-A-T.
Other names: c.2468A>T, p.His823Leu (NM_001079823.2); c.2468A>T (NM_000426.3); short protein forms H823L.
Identifiers: ClinVar variation 1005569 (VCV001005569.4), dbSNP rs1788616204, ClinGen allele CA365609307.
Genomic context (GRCh38, chr6:129,280,078, plus strand): 5'-TCCTTCTTCCTTGTCCCTGTTTTCCGCAACAACATCAACATAGCTTTAGCCCAACGTGCC[A>T]TTTAGACCGGAGTCTTGGATTGATCTGTGATGGATGCCCTGTCGGGTACACAGGACCACG-3'
Protein context (NP_000417.3, residues 813-833): IPSNNFSPTC[His823Leu]LDRSLGLICD